The following is an entry in ClinVar:

NM_021620.4(PRDM13):c.1294G>C (p.Glu432Gln)

Gene: PRDM13 (PR/SET domain 13; plus strand). Cytogenetic location: 6q16.2.
Variant type: single nucleotide variant.
Coding change: c.1294G>C on transcript NM_021620.4 (MANE Select); coding-DNA position 1294, G replaced by C.
Protein change: p.Glu432Gln; replaces glutamic acid 432 with glutamine.
Molecular consequence: missense variant.
Genome position (GRCh38, 1-based): chr6:99,613,929, G>C. VCF-style: chr6-99613929-G-C. GRCh37 (hg19) VCF-style: chr6-100061805-G-C.
Other names: short protein forms E432Q.
Identifiers: ClinVar variation 1492992 (VCV001492992.6), dbSNP rs550792294, ClinGen allele CA365118091.

ClinVar aggregate classification (germline): Uncertain significance (1 of 4 stars; one submission).

Allele frequency attached by ClinVar (database versions not stated): gnomAD exomes below 0.00001.

Submission:

Labcorp Genetics (formerly Invitae), Labcorp
Classification: Uncertain significance. Last evaluated: 2024-05-29. Review status: criteria provided, single submitter. Criteria: Invitae Variant Classification Sherloc (09022015). Collection method: clinical testing. Allele origin: germline.
Comment: This sequence change replaces glutamic acid, which is acidic and polar, with glutamine, which is neutral and polar, at codon 432 of the PRDM13 protein (p.Glu432Gln). This variant is present in population databases (no rsID available, gnomAD 0.004%). This variant has not been reported in the literature in individuals affected with PRDM13-related conditions. ClinVar contains an entry for this variant (Variation ID: 1492992). An algorithm developed to predict the effect of missense changes on protein structure and function (PolyPhen-2) suggests that this variant is likely to be disruptive. In summary, the available evidence is currently insufficient to determine the role of this variant in disease. Therefore, it has been classified as a Variant of Uncertain Significance.